The following is an entry in ClinVar:

ClinVar aggregate classification (germline): Uncertain significance (1 of 4 stars; one submission).

Conditions:
Neurodevelopmental disorder with hypotonia, language delay, and skeletal defects with or without seizures (NEDHLSS). Identifiers: MedGen C5774213, MONDO:0859286, OMIM 620029.

Submission:

3billion
Classification: Uncertain significance for Neurodevelopmental disorder with hypotonia, language delay, and skeletal defects with or without seizures. Last evaluated: 2024-10-24. Review status: criteria provided, single submitter. Criteria: ACMG Guidelines, 2015. Collection method: clinical testing. Allele origin: germline. Affected: yes.
Comment: The variant is not observed in the gnomAD v4.1.0 dataset. Predicted Consequence/Location: Missense variant. Missense changes are a common disease-causing mechanism. Damaging effect on gene or gene product predicted by in silico programs is uncertain [REVEL: 0.42 (damaging >=0.6, benign <0.4), 3Cnet: 0.00 (damaging >=0.6, benign <0.15)]. Therefore, this variant is classified as VUS according to the recommendation of ACMG/AMP guideline.

NM_000719.7(CACNA1C):c.2473G>A (p.Asp825Asn)

Gene: CACNA1C (calcium voltage-gated channel subunit alpha1 C; plus strand). Cytogenetic location: 12p13.33.
Variant type: single nucleotide variant.
Coding change: c.2473G>A on transcript NM_000719.7 (MANE Select); coding-DNA position 2473, G replaced by A.
Protein change: p.Asp825Asn; replaces aspartic acid 825 with asparagine.
Molecular consequence: missense variant.
Genome position (GRCh38, 1-based): chr12:2,585,847, G>A. VCF-style: chr12-2585847-G-A. GRCh37 (hg19) VCF-style: chr12-2695013-G-A.
Other names: c.2473G>A, p.Asp825Asn (NM_001129827.2, NM_001129829.2, NM_001129830.3 and 18 more transcripts); c.2464G>A, p.Asp822Asn (NM_001129844.2); short protein forms D822N, D825N.
Identifiers: ClinVar variation 4292131 (VCV004292131.1).